The following is an entry in ClinVar:

NM_001943.5(DSG2):c.1672C>T (p.Gln558Ter)

Gene: DSG2 (desmoglein 2; plus strand). Cytogenetic location: 18q12.1.
Variant type: single nucleotide variant.
Coding change: c.1672C>T on transcript NM_001943.5 (MANE Select); coding-DNA position 1672, C replaced by T.
Protein change: p.Gln558Ter; replaces glutamine 558 with a stop codon.
Molecular consequence: nonsense.
Genome position (GRCh38, 1-based): chr18:31,538,771, C>T. VCF-style: chr18-31538771-C-T. GRCh37 (hg19) VCF-style: chr18-29118734-C-T.
Other names: short protein forms Q558*.
Identifiers: ClinVar variation 1075931 (VCV001075931.9), dbSNP rs1375012922, ClinGen allele CA16609310.

ClinVar aggregate classification (germline): Pathogenic (1 of 4 stars; one submission).

Conditions:
Arrhythmogenic right ventricular dysplasia 10. Also called: Arrhythmogenic right ventricular dysplasia/cardiomyopathy, type 10; Arrhythmogenic Right Ventricular Dysplasia/Cardiomyopathy10; ARRHYTHMOGENIC RIGHT VENTRICULAR DYSPLASIA, FAMILIAL, 10. Identifiers: MedGen C1857777, MONDO:0012434, OMIM 610193.

Submission:

Labcorp Genetics (formerly Invitae), Labcorp
Classification: Pathogenic for Arrhythmogenic right ventricular dysplasia 10. Last evaluated: 2021-05-27. Review status: criteria provided, single submitter. Criteria: Invitae Variant Classification Sherloc (09022015). Collection method: clinical testing. Allele origin: germline.
Comment: For these reasons, this variant has been classified as Pathogenic. This variant has been observed in individual(s) with right ventricular cardiomyopathy (PMID: 16505173). ClinVar contains an entry for this variant (Variation ID: 1075931). This variant is not present in population databases (ExAC no frequency). This sequence change creates a premature translational stop signal (p.Gln558*) in the DSG2 gene. It is expected to result in an absent or disrupted protein product. Loss-of-function variants in DSG2 are known to be pathogenic (PMID: 23381804, 23911551).

Literature cited by the submitters: PubMed 16505173; PubMed 23381804; PubMed 23911551.